The following is an entry in ClinVar:

NM_000038.6(APC):c.6186A>C (p.Lys2062Asn)

Gene: APC (APC regulator of Wnt signaling pathway; plus strand). Cytogenetic location: 5q22.2.
Variant type: single nucleotide variant.
Coding change: c.6186A>C on transcript NM_000038.6 (MANE Select); coding-DNA position 6186, A replaced by C.
Protein change: p.Lys2062Asn; replaces lysine 2062 with asparagine.
Molecular consequence: missense variant.
Genome position (GRCh38, 1-based): chr5:112,841,780, A>C. VCF-style: chr5-112841780-A-C. GRCh37 (hg19) VCF-style: chr5-112177477-A-C.
Other names: c.6186A>C, p.Lys2062Asn (NM_001127510.3, NM_001354895.2); c.6132A>C, p.Lys2044Asn (NM_001127511.3); c.6240A>C, p.Lys2080Asn (NM_001354896.2); c.6216A>C, p.Lys2072Asn (NM_001354897.2); c.6111A>C, p.Lys2037Asn (NM_001354898.2); c.6102A>C, p.Lys2034Asn (NM_001354899.2); c.6063A>C, p.Lys2021Asn (NM_001354900.2); c.6009A>C, p.Lys2003Asn (NM_001354901.2); and 5 more; short protein forms K2044N, K2062N, K2003N, K1779N, K1961N, K1971N, K2021N, K1902N.
Identifiers: ClinVar variation 423610 (VCV000423610.18), dbSNP rs1064796527, ClinGen allele CA16034880.

ClinVar aggregate classification (germline): Uncertain significance. Review status: criteria provided, multiple submitters, no conflicts (2 of 4 stars). 3 submissions from 3 submitters: Uncertain significance (3). Last evaluated 2025-11-17.

Conditions:
Hereditary cancer-predisposing syndrome. Also called: Hereditary neoplastic syndrome; Neoplastic Syndromes, Hereditary; Tumor predisposition; Hereditary Cancer Syndrome. Identifiers: Orphanet 140162, MedGen C0027672, MeSH D009386, MONDO:0015356.
Familial adenomatous polyposis 1 (FAP1). Also called: FAMILIAL ADENOMATOUS POLYPOSIS 1, ATTENUATED; POLYPOSIS, ADENOMATOUS INTESTINAL. Identifiers: MedGen C2713442, MONDO:0021056, OMIM 175100. Disease mechanism: loss of function.

Submissions (3):

Ambry Genetics
Classification: Uncertain significance for Hereditary cancer-predisposing syndrome. Last evaluated: 2025-11-17. Review status: criteria provided, single submitter. Criteria: Ambry Variant Classification Scheme 2023. Collection method: clinical testing. Allele origin: germline.
Comment: The p.K2062N variant (also known as c.6186A>C), located in coding exon 15 of the APC gene, results from an A to C substitution at nucleotide position 6186. The lysine at codon 2062 is replaced by asparagine, an amino acid with similar properties. This amino acid position is highly conserved in available vertebrate species. In addition, in silico predictors for this gene do not accurately predict pathogenicity. Since supporting evidence is limited at this time, the clinical significance of this alteration remains unclear.

Labcorp Genetics (formerly Invitae), Labcorp
Classification: Uncertain significance for Familial adenomatous polyposis 1. Last evaluated: 2025-07-20. Review status: criteria provided, single submitter. Criteria: Invitae Variant Classification Sherloc (09022015). Collection method: clinical testing. Allele origin: germline.
Comment: This sequence change replaces lysine, which is basic and polar, with asparagine, which is neutral and polar, at codon 2062 of the APC protein (p.Lys2062Asn). This variant is not present in population databases (gnomAD no frequency). This variant has not been reported in the literature in individuals affected with APC-related conditions. ClinVar contains an entry for this variant (Variation ID: 423610). Invitae Evidence Modeling of protein sequence and biophysical properties (such as structural, functional, and spatial information, amino acid conservation, physicochemical variation, residue mobility, and thermodynamic stability) indicates that this missense variant is not expected to disrupt APC protein function with a negative predictive value of 95%. In summary, the available evidence is currently insufficient to determine the role of this variant in disease. Therefore, it has been classified as a Variant of Uncertain Significance.

GeneDx
Classification: Uncertain significance. Last evaluated: 2017-02-14. Review status: criteria provided, single submitter. Criteria: GeneDx Variant Classification (06012015). Collection method: clinical testing. Allele origin: germline. Affected: yes.
Comment: The K2062N variant has not, to our knowledge, been published in the literature as pathogenic or benign. This variant is not observed in large population cohorts (Lek et al., 2016; 1000 Genomes Consortium et al., 2015; Exome Variant Server). The K2062N variant is a semi-conservative amino acid substitution, which may impact secondary protein structure as these residues differ in some properties. This variant occurs at a position that is conserved in mammals and is not located in a known functional domain. In silico analyses are inconsistent regarding the effect this variant may have on protein structure and function. Based on currently available evidence, we consider K2062N to be a variant of uncertain significance.